The following is an entry in ClinVar:

NM_001481.3(DRC4):c.1126G>A (p.Ala376Thr)

Gene: DRC4 (dynein regulatory complex subunit 4; plus strand). Cytogenetic location: 16q24.3.
Variant type: single nucleotide variant.
Coding change: c.1126G>A on transcript NM_001481.3 (MANE Select); coding-DNA position 1126, G replaced by A.
Protein change: p.Ala376Thr; replaces alanine 376 with threonine.
Molecular consequence: missense variant. On other transcripts: non-coding transcript variant (1).
Genome position (GRCh38, 1-based): chr16:90,040,414, G>A. VCF-style: chr16-90040414-G-A. GRCh37 (hg19) VCF-style: chr16-90106822-G-A.
Other names: c.877G>A, p.Ala293Thr (NM_001286205.2); c.550G>A, p.Ala184Thr (NM_001286208.2); c.1051G>A, p.Ala351Thr (NM_001286209.2); short protein forms A351T, A376T, A184T, A293T.
Identifiers: ClinVar variation 1509298 (VCV001509298.8), dbSNP rs754597804, ClinGen allele CA8258113.

ClinVar aggregate classification (germline): Uncertain significance (1 of 4 stars; one submission).

Conditions:
Primary ciliary dyskinesia 33. Also called: CILIARY DYSKINESIA, PRIMARY, 33, WITHOUT SITUS INVERSUS. Identifiers: Orphanet 244, MedGen C4225230, MONDO:0014750, OMIM 616726.

Allele frequency attached by ClinVar (database versions not stated): TOPMed 0.00001; gnomAD 0.00002; gnomAD exomes 0.00002; ExAC 0.00004.
gnomAD v4.1: 29 of 1,612,174 alleles (0.0018%); highest among the groups gnomAD compares: Non-Finnish European, 0.0022%; no homozygotes.

Submission:

Labcorp Genetics (formerly Invitae), Labcorp
Classification: Uncertain significance for Primary ciliary dyskinesia 33. Last evaluated: 2022-11-15. Review status: criteria provided, single submitter. Criteria: Invitae Variant Classification Sherloc (09022015). Collection method: clinical testing. Allele origin: germline.
Comment: ClinVar contains an entry for this variant (Variation ID: 1509298). Advanced modeling of protein sequence and biophysical properties (such as structural, functional, and spatial information, amino acid conservation, physicochemical variation, residue mobility, and thermodynamic stability) performed at Invitae indicates that this missense variant is not expected to disrupt GAS8 protein function. In summary, the available evidence is currently insufficient to determine the role of this variant in disease. Therefore, it has been classified as a Variant of Uncertain Significance. This variant has not been reported in the literature in individuals affected with GAS8-related conditions. This sequence change replaces alanine, which is neutral and non-polar, with threonine, which is neutral and polar, at codon 376 of the GAS8 protein (p.Ala376Thr). The frequency data for this variant in the population databases is considered unreliable, as metrics indicate poor data quality at this position in the gnomAD database.